The following is an entry in ClinVar:

NM_000979.4(RPL18):c.449G>A (p.Arg150Gln)

Gene: RPL18 (ribosomal protein L18; minus strand). Cytogenetic location: 19q13.33.
Variant type: single nucleotide variant.
Coding change: c.449G>A on transcript NM_000979.4 (MANE Select); coding-DNA position 449, G replaced by A.
Protein change: p.Arg150Gln; replaces arginine 150 with glutamine.
Molecular consequence: missense variant. On other transcripts: non-coding transcript variant (1).
Genome position (GRCh38, 1-based): chr19:48,615,919, C>T on the plus strand (G>A on the coding strand, the complement: RPL18 is on the minus strand). VCF-style: chr19-48615919-C-T. GRCh37 (hg19) VCF-style: chr19-49119176-C-T.
Other names: c.362G>A, p.Arg121Gln (NM_001270490.2); short protein forms R121Q, R150Q.
Identifiers: ClinVar variation 2413928 (VCV002413928.6), dbSNP rs373946681, ClinGen allele CA9553999.
Genomic context (GRCh38, chr19:48,615,919, plus strand): 5'-TGGGGGCCTGATACTCACTTGGTGTGGCTGTGCGGGGTTCCTGGGGCCTTGCCGAAATGC[C>T]GGTACACCTCTCGGCCCTTGCGAGGACCTAGGGAAGGGGAAGGAGAACCGGGTGAGACAG-3'
Protein context (NP_000970.1, residues 140-160): SGPRKGREVY[Arg150Gln]HFGKAPGTPH

ClinVar aggregate classification (germline): Uncertain significance (1 of 4 stars; one submission).

Allele frequency attached by ClinVar (database versions not stated): gnomAD exomes 0.00001; TOPMed 0.00003; gnomAD 0.00004; ExAC 0.00005; ESP Exome Variant Server 0.00008.
gnomAD v4.1: 20 of 1,613,640 alleles (0.0012%); highest among the groups gnomAD compares: African/African-American, 0.004%; no homozygotes.

Submission:

Labcorp Genetics (formerly Invitae), Labcorp
Classification: Uncertain significance. Last evaluated: 2025-12-09. Review status: criteria provided, single submitter. Criteria: Invitae Variant Classification Sherloc (09022015). Collection method: clinical testing. Allele origin: germline.
Comment: This sequence change replaces arginine, which is basic and polar, with glutamine, which is neutral and polar, at codon 150 of the RPL18 protein (p.Arg150Gln). This variant is present in population databases (rs373946681, gnomAD 0.006%). This variant has not been reported in the literature in individuals affected with RPL18-related conditions. ClinVar contains an entry for this variant (Variation ID: 2413928). An algorithm developed to predict the effect of missense changes on protein structure and function (PolyPhen-2) suggests that this variant is likely to be tolerated. In summary, the available evidence is currently insufficient to determine the role of this variant in disease. Therefore, it has been classified as a Variant of Uncertain Significance.